The following is an entry in ClinVar:

ClinVar aggregate classification (germline): Uncertain significance (1 of 4 stars; one submission).

Allele frequency attached by ClinVar (database versions not stated): gnomAD exomes below 0.00001.
gnomAD v4.1: 1 of 1,614,178 alleles (0.000062%); highest among the groups gnomAD compares: African/African-American, 0.0013%; no homozygotes.

Submission:

Labcorp Genetics (formerly Invitae), Labcorp
Classification: Uncertain significance. Last evaluated: 2022-03-02. Review status: criteria provided, single submitter. Criteria: Invitae Variant Classification Sherloc (09022015). Collection method: clinical testing. Allele origin: germline.
Comment: In summary, the available evidence is currently insufficient to determine the role of this variant in disease. Therefore, it has been classified as a Variant of Uncertain Significance. Algorithms developed to predict the effect of missense changes on protein structure and function are either unavailable or do not agree on the potential impact of this missense change (SIFT: "Tolerated"; PolyPhen-2: "Possibly Damaging"; Align-GVGD: "Class C0"). This variant has not been reported in the literature in individuals affected with RTTN-related conditions. This variant is present in population databases (no rsID available, gnomAD 0.007%). This sequence change replaces glutamine, which is neutral and polar, with histidine, which is basic and polar, at codon 13 of the RTTN protein (p.Gln13His).

NM_173630.4(RTTN):c.39G>T (p.Gln13His)

Gene: RTTN (rotatin; minus strand). Cytogenetic location: 18q22.2.
Variant type: single nucleotide variant.
Coding change: c.39G>T on transcript NM_173630.4 (MANE Select); coding-DNA position 39, G replaced by T.
Protein change: p.Gln13His; replaces glutamine 13 with histidine.
Molecular consequence: missense variant. On other transcripts: 5 prime UTR variant (1).
Genome position (GRCh38, 1-based): chr18:70,205,308, C>A on the plus strand (G>T on the coding strand, the complement: RTTN is on the minus strand). VCF-style: chr18-70205308-C-A. GRCh37 (hg19) VCF-style: chr18-67872544-C-A.
Other names: c.-2515G>T (NM_001318520.2); short protein forms Q13H.
Identifiers: ClinVar variation 1407236 (VCV001407236.6), dbSNP rs1441727786, ClinGen allele CA402693178.
Genomic context (GRCh38, chr18:70,205,308, plus strand): 5'-TAAGTTGTGCTCAATCTTGCAGAGAATACTCTTGAGAGCGCGCTCCCTGATCTCGGCCAG[C>A]TGATGACCTGTCAACGAACGGCACAAAACTATTTTATTTCCCGACTGCAAAGAGACTACG-3'
Protein context (NP_775901.3, residues 3-23): LAGLIRKLGH[Gln13His]LAEIRERALK